The following is an entry in ClinVar:

ClinVar aggregate classification (germline): Uncertain significance. Review status: criteria provided, multiple submitters, no conflicts (2 of 4 stars). 2 submissions from 2 submitters: Uncertain significance (2). Last evaluated 2024-09-20.

Conditions:
Gorlin syndrome. Also called: Nevoid Basal Cell Carcinoma Syndrome; Basal cell nevus syndrome. Identifiers: Orphanet 377, MedGen C0004779, MONDO:0007187.
Hereditary cancer-predisposing syndrome. Also called: Hereditary neoplastic syndrome; Neoplastic Syndromes, Hereditary; Tumor predisposition; Hereditary Cancer Syndrome. Identifiers: Orphanet 140162, MedGen C0027672, MeSH D009386, MONDO:0015356.

Allele frequency attached by ClinVar (database versions not stated): gnomAD exomes below 0.00001; ExAC 0.00001.

Submissions (2):

Ambry Genetics
Classification: Uncertain significance for Hereditary cancer-predisposing syndrome. Last evaluated: 2024-09-20. Review status: criteria provided, single submitter. Criteria: Ambry Variant Classification Scheme 2023. Collection method: clinical testing. Allele origin: germline.
Comment: The p.K529E variant (also known as c.1585A>G), located in coding exon 11 of the PTCH1 gene, results from an A to G substitution at nucleotide position 1585. The lysine at codon 529 is replaced by glutamic acid, an amino acid with similar properties. This amino acid position is conserved. In addition, this alteration is predicted to be deleterious by in silico analysis. Based on the available evidence, the clinical significance of this variant remains unclear.

Labcorp Genetics (formerly Invitae), Labcorp
Classification: Uncertain significance for Gorlin syndrome. Last evaluated: 2019-05-10. Review status: criteria provided, single submitter. Criteria: Invitae Variant Classification Sherloc (09022015). Collection method: clinical testing. Allele origin: germline.
Comment: In summary, this variant is a rare missense change that is not predicted to affect protein function. There is no indication that it causes disease, but the available evidence is currently insufficient to prove that conclusively. Therefore, it has been classified as a Variant of Uncertain Significance. Algorithms developed to predict the effect of missense changes on protein structure and function (SIFT, PolyPhen-2, Align-GVGD) all suggest that this variant is likely to be tolerated, but these predictions have not been confirmed by published functional studies. This variant is present in population databases (rs780434261, ExAC <0.01%) but has not been reported in the literature in individuals with a PTCH1-related disease. This sequence change replaces lysine with glutamic acid at codon 529 of the PTCH1 protein (p.Lys529Glu). The lysine residue is moderately conserved and there is a small physicochemical difference between lysine and glutamic acid.

NM_000264.5(PTCH1):c.1585A>G (p.Lys529Glu)

Gene: PTCH1 (patched 1; minus strand). Cytogenetic location: 9q22.32.
Variant type: single nucleotide variant.
Coding change: c.1585A>G on transcript NM_000264.5 (MANE Select); coding-DNA position 1585, A replaced by G.
Protein change: p.Lys529Glu; replaces lysine 529 with glutamic acid.
Molecular consequence: missense variant. On other transcripts: non-coding transcript variant (1).
Genome position (GRCh38, 1-based): chr9:95,476,776, T>C on the plus strand (A>G on the coding strand, the complement: PTCH1 is on the minus strand). VCF-style: chr9-95476776-T-C. GRCh37 (hg19) VCF-style: chr9-98239058-T-C.
Other names: c.1387A>G, p.Lys463Glu (NM_001083602.3); c.1582A>G, p.Lys528Glu (NM_001083603.3); c.1132A>G, p.Lys378Glu (NM_001083604.3, NM_001083605.3, NM_001083606.3 and 1 more transcripts); c.1429A>G, p.Lys477Glu (NM_001354918.2); short protein forms K529E, K463E, K528E, K378E, K477E.
Identifiers: ClinVar variation 409191 (VCV000409191.15), dbSNP rs780434261, ClinGen allele CA5138619.